The following is an entry in ClinVar:

NM_206933.4(USH2A):c.12525G>T (p.Trp4175Cys)

Gene: USH2A (usherin; minus strand). Cytogenetic location: 1q41.
Variant type: single nucleotide variant.
Coding change: c.12525G>T on transcript NM_206933.4 (MANE Select); coding-DNA position 12525, G replaced by T.
Protein change: p.Trp4175Cys; replaces tryptophan 4175 with cysteine.
Molecular consequence: missense variant.
Genome position (GRCh38, 1-based): chr1:215,675,386, C>A on the plus strand (G>T on the coding strand, the complement: USH2A is on the minus strand). VCF-style: chr1-215675386-C-A. GRCh37 (hg19) VCF-style: chr1-215848728-C-A.
Other names: short protein forms W4175C.
Identifiers: ClinVar variation 856772 (VCV000856772.10), dbSNP rs1657987278, ClinGen allele CA344850717.

ClinVar aggregate classification (germline): Pathogenic. Review status: criteria provided, multiple submitters, no conflicts (2 of 4 stars). 2 submissions from 2 submitters: Pathogenic (2). Last evaluated 2022-07-30.

Conditions:
USH2A-related disorder. Also called: USH2A-related condition; USH2A-related disorders. Identifiers: MedGen CN239332.

Allele frequency attached by ClinVar (database versions not stated): gnomAD exomes below 0.00001.
gnomAD v4.1: 5 of 1,614,146 alleles (0.00031%); highest among the groups gnomAD compares: Non-Finnish European, 0.00042%; no homozygotes.

Submissions (2):

Labcorp Genetics (formerly Invitae), Labcorp
Classification: Pathogenic. Last evaluated: 2022-07-30. Review status: criteria provided, single submitter. Criteria: Invitae Variant Classification Sherloc (09022015). Collection method: clinical testing. Allele origin: germline.
Comment: For these reasons, this variant has been classified as Pathogenic. This sequence change replaces tryptophan, which is neutral and slightly polar, with cysteine, which is neutral and slightly polar, at codon 4175 of the USH2A protein (p.Trp4175Cys). This variant is not present in population databases (gnomAD no frequency). This missense change has been observed in individual(s) with Usher syndrome or clinical features of inherited retinal disease (PMID: 19881469, 28559085; Invitae). In at least one individual the data is consistent with being in trans (on the opposite chromosome) from a pathogenic variant. ClinVar contains an entry for this variant (Variation ID: 856772). Algorithms developed to predict the effect of missense changes on protein structure and function are either unavailable or do not agree on the potential impact of this missense change (SIFT: "Deleterious"; PolyPhen-2: "Probably Damaging"; Align-GVGD: "Class C0"). This variant disrupts the p.Trp4175 amino acid residue in USH2A. Other variant(s) that disrupt this residue have been determined to be pathogenic (PMID: 26352687). This suggests that this residue is clinically significant, and that variants that disrupt this residue are likely to be disease-causing.

Blueprint Genetics
Classification: Pathogenic for USH2A-related disorders. Last evaluated: 2021-10-06. Review status: criteria provided, single submitter. Criteria: ACMG Guidelines, 2015. Collection method: clinical testing. Allele origin: germline. Affected: yes. Observed: 3 variant alleles.

Literature cited by the submitters: PubMed 19881469 (cited by Labcorp Genetics (formerly Invitae), Labcorp); PubMed 28559085 (cited by Labcorp Genetics (formerly Invitae), Labcorp); PubMed 26352687 (cited by Labcorp Genetics (formerly Invitae), Labcorp).